The following is an entry in ClinVar:

ClinVar aggregate classification (germline): Pathogenic (1 of 4 stars; one submission).

Conditions:
Familial cancer of breast. Also called: Hereditary breast cancer; BREAST CANCER, FAMILIAL; hereditary breast carcinoma. Identifiers: Orphanet 227535, MedGen C0346153, MONDO:0016419, OMIM 114480. Disease mechanism: loss of function.

Submission:

Myriad Genetics, Inc.
Classification: Pathogenic for Familial cancer of breast. Last evaluated: 2023-06-05. Review status: criteria provided, single submitter. Criteria: Myriad Autosomal Dominant, Autosomal Recessive and X-Linked Classification Criteria (2023). Collection method: clinical testing. Allele origin: unknown.
Comment: This variant is considered pathogenic. This variant creates a frameshift predicted to result in premature protein truncation.

NM_032043.3(BRIP1):c.1961delinsAATGGTTTGGTACCATTGGGTCAGAATTGGGTCCGA (p.Gly654fs)

Gene: BRIP1 (BRCA1 interacting DNA helicase 1; minus strand). Cytogenetic location: 17q23.2.
Variant type: Indel.
Coding change: c.1961delinsAATGGTTTGGTACCATTGGGTCAGAATTGGGTCCGA on transcript NM_032043.3 (MANE Select); coding-DNA position 1961, the reference bases replaced by an inserted sequence.
Protein change: p.Gly654fs; shifts the reading frame from glycine 654.
Molecular consequence: frameshift variant.
Genome position (GRCh38, 1-based): chr17:61,776,537, one base replaced. GRCh37 (hg19), VCF-style position (the base before the change): chr17:59,853,898.
Other names: short protein forms G654fs.
Identifiers: ClinVar variation 2583580 (VCV002583580.2), dbSNP rs2544999240, ClinGen allele CA2582342269.